The following is an entry in ClinVar:

ClinVar aggregate classification (germline): Benign. Review status: criteria provided, multiple submitters, no conflicts (2 of 4 stars). 5 submissions from 5 submitters: Benign (4). 1 of the submissions does not count toward it. Last evaluated 2026-01-27.

Conditions:
TRPV3-related disorder. Also called: TRPV3-related condition.
Isolated focal non-epidermolytic palmoplantar keratoderma. Also called: Palmoplantar keratoderma, nonepidermolytic, focal 2. Identifiers: Orphanet 448264, MedGen C4225339, MONDO:0014622, OMIM 616400.

Allele frequency attached by ClinVar (database versions not stated): ESP Exome Variant Server 0.00223; gnomAD 0.01408 and 0.01930; gnomAD exomes 0.01607 and 0.03860; TOPMed 0.01962; ExAC 0.03658; 1000 Genomes Project 30x 0.07105; 1000 Genomes Project 0.07628.
gnomAD v4.1: 26,754 of 1,614,038 alleles (1.7%); highest among the groups gnomAD compares: East Asian, 26%; 2,119 homozygotes.

Submissions (5):

Labcorp Genetics (formerly Invitae), Labcorp
Classification: Benign. Last evaluated: 2026-01-27. Review status: criteria provided, single submitter. Criteria: Invitae Variant Classification Sherloc (09022015). Collection method: clinical testing. Allele origin: germline.

GeneDx
Classification: Benign. Last evaluated: 2020-02-18. Review status: criteria provided, single submitter. Criteria: GeneDx Variant Classification Process June 2021. Collection method: clinical testing. Allele origin: germline. Affected: yes.
Comment: This variant is associated with the following publications: (PMID: 31612282)

Illumina Laboratory Services, Illumina
Classification: Benign for Isolated focal non-epidermolytic palmoplantar keratoderma. Last evaluated: 2018-01-12. Review status: criteria provided, single submitter. Criteria: ICSL Variant Classification Criteria 13 December 2019. Collection method: clinical testing. Allele origin: germline.
Comment: This variant was observed in the ICSL laboratory as part of a predisposition screen in an ostensibly healthy population. It had not been previously curated by ICSL or reported in the Human Gene Mutation Database (HGMD: prior to June 1st, 2018), and was therefore a candidate for classification through an automated scoring system. Utilizing variant allele frequency, disease prevalence and penetrance estimates, and inheritance mode, an automated score was calculated to assess if this variant is too frequent to cause the disease. Based on the score and internal cut-off values, a variant classified as benign is not then subjected to further curation. The score for this variant resulted in a classification of benign for this disease.

Breakthrough Genomics
Classification: Benign. Review status: criteria provided, single submitter. Criteria: ACMG Guidelines, 2015. Collection method: not provided. Allele origin: germline. Inheritance: Autosomal dominant inheritance. Affected: yes.

PreventionGenetics, part of Exact Sciences
Classification: Benign for TRPV3-related condition. Last evaluated: 2024-07-10. Review status: no assertion criteria provided. Collection method: clinical testing. Allele origin: germline. Not counted in ClinVar's aggregate classification.
Comment: This variant is classified as benign based on ACMG/AMP sequence variant interpretation guidelines (Richards et al. 2015 PMID: 25741868, with internal and published modifications).

NM_145068.4(TRPV3):c.1882G>A (p.Ala628Thr)

Gene: TRPV3 (transient receptor potential cation channel subfamily V member 3; minus strand). Cytogenetic location: 17p13.2.
Variant type: single nucleotide variant.
Coding change: c.1882G>A on transcript NM_145068.4 (MANE Select); coding-DNA position 1882, G replaced by A.
Protein change: p.Ala628Thr; replaces alanine 628 with threonine.
Molecular consequence: missense variant.
Genome position (GRCh38, 1-based): chr17:3,518,779, C>T on the plus strand (G>A on the coding strand, the complement: TRPV3 is on the minus strand). VCF-style: chr17-3518779-C-T. GRCh37 (hg19) VCF-style: chr17-3422073-C-T.
Other names: c.1882G>A, p.Ala628Thr (NM_001258205.2); short protein forms A628T.
Identifiers: ClinVar variation 322759 (VCV000322759.15), dbSNP rs75319568, ClinGen allele CA8289275.
Genomic context (GRCh38, chr17:3,518,779, plus strand): 5'-AGTTCTGCTGGATGTTCAGGTCACCCAGGCCTATGGTGAGCTTGAAGAGTTCCAGCACTG[C>T]GTCGCTGAAGCTGCCGTAGGAGCTGCAGTCCTTGTTGTCTTTGGGACACTTCTCGATCAG-3'
Protein context (NP_659505.1, residues 618-638): DCSSYGSFSD[Ala628Thr]VLELFKLTIG